The following is an entry in ClinVar:

ClinVar aggregate classification (germline): Conflicting classifications of pathogenicity. Review status: criteria provided, conflicting classifications (1 of 4 stars). 3 submissions from 3 submitters: Uncertain significance (1); Benign (1). 1 of the submissions does not count toward it. Last evaluated 2025-01-20.

Conditions:
Familial thoracic aortic aneurysm and aortic dissection (TAAD). Also called: Thoracic aortic aneurysms and dissections. Identifiers: Orphanet 91387, MedGen C4707243, MONDO:0019625.
FBN2-related disorder. Also called: FBN2-related condition.
Congenital contractural arachnodactyly (CCA). Also called: BEALS SYNDROME; Arthrogryposis, distal, type 9; Beals-Hecht syndrome. Identifiers: Orphanet 115, MedGen C0220668, MONDO:0007363, OMIM 121050.

Allele frequency attached by ClinVar (database versions not stated): gnomAD 0.00001; gnomAD exomes 0.00001 and 0.00002; TOPMed 0.00001; ExAC 0.00002; ESP Exome Variant Server 0.00008.
gnomAD v4.1: 12 of 1,613,198 alleles (0.00074%); highest among the groups gnomAD compares: Non-Finnish European, 0.00076%; no homozygotes.

Submissions (3):

Labcorp Genetics (formerly Invitae), Labcorp
Classification: Benign for Congenital contractural arachnodactyly. Last evaluated: 2025-01-20. Review status: criteria provided, single submitter. Criteria: Invitae Variant Classification Sherloc (09022015). Collection method: clinical testing. Allele origin: germline.

Ambry Genetics
Classification: Uncertain significance for Familial thoracic aortic aneurysm and aortic dissection. Last evaluated: 2018-10-17. Review status: criteria provided, single submitter. Criteria: Ambry Variant Classification Scheme 2023. Collection method: clinical testing. Allele origin: germline.
Comment: The p.R792H variant (also known as c.2375G>A), located in coding exon 18 of the FBN2 gene, results from a G to A substitution at nucleotide position 2375. The arginine at codon 792 is replaced by histidine, an amino acid with highly similar properties. This amino acid position is well conserved in available vertebrate species. In addition, the in silico prediction for this alteration is inconclusive. Since supporting evidence is limited at this time, the clinical significance of this alteration remains unclear.

PreventionGenetics, part of Exact Sciences
Classification: Uncertain significance for FBN2-related condition. Last evaluated: 2024-01-05. Review status: no assertion criteria provided. Collection method: clinical testing. Allele origin: germline. Not counted in ClinVar's aggregate classification.
Comment: The FBN2 c.2375G>A variant is predicted to result in the amino acid substitution p.Arg792His. To our knowledge, this variant has not been reported in the literature. This variant is reported in 0.0031% of alleles in individuals of European (Non-Finnish) descent in gnomAD. At this time, the clinical significance of this variant is uncertain due to the absence of conclusive functional and genetic evidence.

NM_001999.4(FBN2):c.2375G>A (p.Arg792His)

Gene: FBN2 (fibrillin 2; minus strand). Cytogenetic location: 5q23.3.
Variant type: single nucleotide variant.
Coding change: c.2375G>A on transcript NM_001999.4 (MANE Select); coding-DNA position 2375, G replaced by A.
Protein change: p.Arg792His; replaces arginine 792 with histidine.
Molecular consequence: missense variant.
Genome position (GRCh38, 1-based): chr5:128,364,653, C>T on the plus strand (G>A on the coding strand, the complement: FBN2 is on the minus strand). VCF-style: chr5-128364653-C-T. GRCh37 (hg19) VCF-style: chr5-127700346-C-T.
Other names: short protein forms R792H.
Identifiers: ClinVar variation 411824 (VCV000411824.13), dbSNP rs374031658, ClinGen allele CA3395568.